The following is an entry in ClinVar:

ClinVar aggregate classification (germline): Uncertain significance (1 of 4 stars; one submission).

Submission:

Mayo Clinic Laboratories, Mayo Clinic
Classification: Uncertain significance. Last evaluated: 2023-10-13. Review status: criteria provided, single submitter. Criteria: ACMG Guidelines, 2015. Collection method: clinical testing. Allele origin: germline. Observed: 1 variant allele.
Comment: BP4, PM2

NM_000237.3(LPL):c.1060A>G (p.Ser354Gly)

Gene: LPL (lipoprotein lipase; plus strand). Cytogenetic location: 8p21.3.
Variant type: single nucleotide variant.
Coding change: c.1060A>G on transcript NM_000237.3 (MANE Select); coding-DNA position 1060, A replaced by G.
Protein change: p.Ser354Gly; replaces serine 354 with glycine.
Molecular consequence: missense variant.
Genome position (GRCh38, 1-based): chr8:19,959,301, A>G. VCF-style: chr8-19959301-A-G. GRCh37 (hg19) VCF-style: chr8-19816812-A-G.
Other names: p.Ser354Gly; short protein forms S354G.
Identifiers: ClinVar variation 3379805 (VCV003379805.1).